The following is an entry in ClinVar:

ClinVar aggregate classification (germline): Benign (1 of 4 stars; one submission).

Allele frequency attached by ClinVar (database versions not stated): ExAC 0.00059; gnomAD 0.00076; 1000 Genomes Project 30x 0.00078; 1000 Genomes Project 0.00080; TOPMed 0.00102.
gnomAD v4.1: 885 of 1,600,812 alleles (0.055%); highest among the groups gnomAD compares: Admixed American, 0.19%; 1 homozygote.

Submission:

CeGaT Center for Human Genetics Tuebingen
Classification: Benign. Last evaluated: 2022-09-01. Review status: criteria provided, single submitter. Criteria: CeGaT Center For Human Genetics Tuebingen Variant Classification Criteria Version 2. Collection method: clinical testing. Allele origin: germline. Affected: yes. Observed: 1 variant allele.
Comment: PUF60: BS1, BS2

NM_078480.3(PUF60):c.603+55C>T

Gene: PUF60 (poly(U) binding splicing factor 60; minus strand). Cytogenetic location: 8q24.3.
Variant type: single nucleotide variant.
Coding change: c.603+55C>T on transcript NM_078480.3 (MANE Select); 55 bases into the intron after coding-DNA position 603, C replaced by T.
Molecular consequence: intron variant.
Genome position (GRCh38, 1-based): chr8:143,818,138, G>A on the plus strand (C>T on the coding strand, the complement: PUF60 is on the minus strand). VCF-style: chr8-143818138-G-A. GRCh37 (hg19) VCF-style: chr8-144900308-G-A.
Other names: c.465+55C>T (NM_001271097.2); c.516+55C>T (NM_001271099.2); c.549+55C>T (NM_001271096.2); c.600+55C>T (NM_001271098.2); c.552+55C>T (NM_014281.5); c.423+55C>T (NM_001271100.2); c.474+55C>T (NM_001136033.3); c.663+55C>T (NM_001362897.2); and 1 more.
Identifiers: ClinVar variation 1711684 (VCV001711684.30), dbSNP rs545809133, ClinGen allele CA187616481.